The following is an entry in ClinVar:

ClinVar aggregate classification (germline): Uncertain significance (1 of 4 stars; one submission).

Conditions:
Chuvash polycythemia. Also called: POLYCYTHEMIA, VHL-DEPENDENT. Identifiers: Orphanet 238557, MedGen C1837915, MONDO:0009892, OMIM 263400.
Von Hippel-Lindau syndrome (VHLS). Also called: von Hippel–Lindau syndrome; VHL syndrome; Von Hippel-Lindau. Identifiers: Orphanet 892, MedGen C0019562, MONDO:0008667, OMIM 193300. Disease mechanism: loss of function.

Submission:

Labcorp Genetics (formerly Invitae), Labcorp
Classification: Uncertain significance for Von Hippel-Lindau syndrome; Chuvash polycythemia. Last evaluated: 2024-04-30. Review status: criteria provided, single submitter. Criteria: Invitae Variant Classification Sherloc (09022015). Collection method: clinical testing. Allele origin: germline.
Comment: This sequence change replaces asparagine, which is neutral and polar, with threonine, which is neutral and polar, at codon 67 of the VHL protein (p.Asn67Thr). This variant is not present in population databases (gnomAD no frequency). This variant has not been reported in the literature in individuals affected with VHL-related conditions. Advanced modeling of protein sequence and biophysical properties (such as structural, functional, and spatial information, amino acid conservation, physicochemical variation, residue mobility, and thermodynamic stability) performed at Invitae indicates that this missense variant is expected to disrupt VHL protein function with a positive predictive value of 95%. In summary, the available evidence is currently insufficient to determine the role of this variant in disease. Therefore, it has been classified as a Variant of Uncertain Significance.

NM_000551.4(VHL):c.200A>C (p.Asn67Thr)

Gene: VHL (von Hippel-Lindau tumor suppressor; plus strand). Cytogenetic location: 3p25.3.
Variant type: single nucleotide variant.
Coding change: c.200A>C on transcript NM_000551.4 (MANE Select); coding-DNA position 200, A replaced by C.
Protein change: p.Asn67Thr; replaces asparagine 67 with threonine.
Molecular consequence: missense variant. On other transcripts: non-coding transcript variant (1).
Genome position (GRCh38, 1-based): chr3:10,142,047, A>C. VCF-style: chr3-10142047-A-C. GRCh37 (hg19) VCF-style: chr3-10183731-A-C.
Other names: c.200A>C, p.Asn67Thr (NM_001354723.2, NM_198156.3); short protein forms N67T.
Identifiers: ClinVar variation 2931182 (VCV002931182.3), dbSNP rs2125124975, ClinGen allele CA351748831.
Genomic context (GRCh38, chr3:10,142,047, plus strand): 5'-AACTGGGCGCCGAGGAGGAGATGGAGGCCGGGCGGCCGCGGCCCGTGCTGCGCTCGGTGA[A>C]CTCGCGCGAGCCCTCCCAGGTCATCTTCTGCAATCGCAGTCCGCGCGTCGTGCTGCCCGT-3'
Protein context (NP_000542.1, residues 57-77): GRPRPVLRSV[Asn67Thr]SREPSQVIFC